The following is an entry in ClinVar:

NM_000094.4(COL7A1):c.2855C>A (p.Thr952Asn)

Gene: COL7A1 (collagen type VII alpha 1 chain; minus strand). Cytogenetic location: 3p21.31.
Variant type: single nucleotide variant.
Coding change: c.2855C>A on transcript NM_000094.4 (MANE Select); coding-DNA position 2855, C replaced by A.
Protein change: p.Thr952Asn; replaces threonine 952 with asparagine.
Molecular consequence: missense variant.
Genome position (GRCh38, 1-based): chr3:48,587,795, G>T on the plus strand (C>A on the coding strand, the complement: COL7A1 is on the minus strand). VCF-style: chr3-48587795-G-T. GRCh37 (hg19) VCF-style: chr3-48625228-G-T.
Other names: short protein forms T952N.
Identifiers: ClinVar variation 2125021 (VCV002125021.4), dbSNP rs750612292, ClinGen allele CA352715172.

ClinVar aggregate classification (germline): Uncertain significance (1 of 4 stars; one submission).

Submission:

Labcorp Genetics (formerly Invitae), Labcorp
Classification: Uncertain significance. Last evaluated: 2022-04-12. Review status: criteria provided, single submitter. Criteria: Invitae Variant Classification Sherloc (09022015). Collection method: clinical testing. Allele origin: germline.
Comment: In summary, the available evidence is currently insufficient to determine the role of this variant in disease. Therefore, it has been classified as a Variant of Uncertain Significance. Algorithms developed to predict the effect of missense changes on protein structure and function are either unavailable or do not agree on the potential impact of this missense change (SIFT: "Deleterious"; PolyPhen-2: "Not Available"; Align-GVGD: "Class C0"). This variant has not been reported in the literature in individuals affected with COL7A1-related conditions. This variant is not present in population databases (gnomAD no frequency). This sequence change replaces threonine, which is neutral and polar, with asparagine, which is neutral and polar, at codon 952 of the COL7A1 protein (p.Thr952Asn).